The following is an entry in ClinVar:

ClinVar aggregate classification (germline): Likely benign. Review status: criteria provided, multiple submitters, no conflicts (2 of 4 stars). 2 submissions from 2 submitters: Likely benign (2). Last evaluated 2023-12-01.

Conditions:
Early-infantile DEE. Also called: Ohtahara syndrome; Early infantile epileptic encephalopathy; Early infantile epileptic encephalopathy with suppression bursts. Identifiers: Orphanet 1934, MedGen C0393706, MONDO:0800491.

Allele frequency attached by ClinVar (database versions not stated): gnomAD exomes below 0.00001 and 0.00001; ExAC 0.00001; gnomAD 0.00001 and 0.00002; ESP Exome Variant Server 0.00008.
gnomAD v4.1: 25 of 1,612,524 alleles (0.0016%); highest among the groups gnomAD compares: East Asian, 0.033%; no homozygotes.

Submissions (2):

CeGaT Center for Human Genetics Tuebingen
Classification: Likely benign. Last evaluated: 2023-12-01. Review status: criteria provided, single submitter. Criteria: CeGaT Center For Human Genetics Tuebingen Variant Classification Criteria Version 2. Collection method: clinical testing. Allele origin: germline. Affected: yes. Observed: 1 variant allele.
Comment: SCN1A: BP4, BP7

Labcorp Genetics (formerly Invitae), Labcorp
Classification: Likely benign for Early-infantile DEE. Last evaluated: 2022-03-20. Review status: criteria provided, single submitter. Criteria: Invitae Variant Classification Sherloc (09022015). Collection method: clinical testing. Allele origin: germline.

NM_001165963.4(SCN1A):c.2547C>T (p.Leu849=)

Gene: SCN1A (sodium voltage-gated channel alpha subunit 1; minus strand). Cytogenetic location: 2q24.3.
Variant type: single nucleotide variant.
Coding change: c.2547C>T on transcript NM_001165963.4 (MANE Select); coding-DNA position 2547, C replaced by T.
Protein change: p.Leu849=; no amino-acid change (leucine 849 retained).
Molecular consequence: synonymous variant. On other transcripts: non-coding transcript variant (1).
Genome position (GRCh38, 1-based): chr2:166,039,465, G>A on the plus strand (C>T on the coding strand, the complement: SCN1A is on the minus strand). VCF-style: chr2-166039465-G-A. GRCh37 (hg19) VCF-style: chr2-166895975-G-A.
Other names: c.2463C>T, p.Leu821= (NM_001165964.3, NM_001353957.2, NM_001353958.2); c.2547C>T, p.Leu849= (NM_001202435.3, NM_001353948.2); c.2514C>T, p.Leu838= (NM_001353949.2, NM_001353950.2, NM_001353951.2 and 2 more transcripts); c.2511C>T, p.Leu837= (NM_001353954.2, NM_001353955.2); c.2460C>T, p.Leu820= (NM_001353960.2); c.105C>T, p.Leu35= (NM_001353961.2).
Identifiers: ClinVar variation 1135428 (VCV001135428.32), dbSNP rs147360576, ClinGen allele CA1943097.